The following is an entry in ClinVar:

ClinVar aggregate classification (germline): Uncertain significance (1 of 4 stars; one submission).

Conditions:
Cohen syndrome (COH1). Also called: PEPPER SYNDROME; Cutis verticis gyrata, retinitis pigmentosa, and sensorineural deafness. Identifiers: Orphanet 193, MedGen C0265223, MONDO:0008999, OMIM 216550.

gnomAD v4.1: 2 of 1,614,196 alleles (0.00012%); highest among the groups gnomAD compares: Non-Finnish European, 0.00017%; no homozygotes.

Submission:

Labcorp Genetics (formerly Invitae), Labcorp
Classification: Uncertain significance for Cohen syndrome. Last evaluated: 2023-07-03. Review status: criteria provided, single submitter. Criteria: Invitae Variant Classification Sherloc (09022015). Collection method: clinical testing. Allele origin: germline.
Comment: This sequence change replaces glutamine with leucine at codon 1009 of the VPS13B protein (p.Gln1009Leu). The glutamine residue is weakly conserved and there is a moderate physicochemical difference between glutamine and leucine. This variant is not present in population databases (gnomAD no frequency). This variant has not been reported in the literature in individuals affected with VPS13B-related conditions. ClinVar contains an entry for this variant (Variation ID: 1440587). Advanced modeling of protein sequence and biophysical properties (such as structural, functional, and spatial information, amino acid conservation, physicochemical variation, residue mobility, and thermodynamic stability) performed at Invitae indicates that this missense variant is not expected to disrupt VPS13B protein function. In summary, the available evidence is currently insufficient to determine the role of this variant in disease. Therefore, it has been classified as a Variant of Uncertain Significance.

NM_152564.5(VPS13B):c.3026A>T (p.Gln1009Leu)

Gene: VPS13B (vacuolar protein sorting 13 homolog B; plus strand). Cytogenetic location: 8q22.2.
Variant type: single nucleotide variant.
Coding change: c.3026A>T on transcript NM_152564.5 (MANE Select); coding-DNA position 3026, A replaced by T.
Protein change: p.Gln1009Leu; replaces glutamine 1009 with leucine.
Molecular consequence: missense variant.
Genome position (GRCh38, 1-based): chr8:99,391,648, A>T. VCF-style: chr8-99391648-A-T. GRCh37 (hg19) VCF-style: chr8-100403876-A-T.
Other names: c.3026A>T, p.Gln1009Leu (NM_017890.5); short protein forms Q1009L.
Identifiers: ClinVar variation 1440587 (VCV001440587.6), dbSNP rs1814454254, ClinGen allele CA371865760.
Genomic context (GRCh38, chr8:99,391,648, plus strand): 5'-CAGTTTGTAGAAGGAAAGAGGATGAGGTGTCTATTGGAAGTGCCCCCTTGGCAAAGCAGC[A>T]ATCATATCAGGCCTCTGAATATGCCAGCAGCCCTGTAAAAACAAAAACGGTAACAGGTAT-3'
Protein context (NP_689777.3, residues 999-1019): SIGSAPLAKQ[Gln1009Leu]SYQASEYASS